The following is an entry in ClinVar:

ClinVar aggregate classification (germline): Uncertain significance (1 of 4 stars; one submission).

Conditions:
Combined oxidative phosphorylation defect type 27. Also called: Combined oxidative phosphorylation deficiency 27. Identifiers: Orphanet 477774, MedGen C5567608, MONDO:0014728, OMIM 616672.

Submission:

Labcorp Genetics (formerly Invitae), Labcorp
Classification: Uncertain significance for Combined oxidative phosphorylation defect type 27. Last evaluated: 2021-08-13. Review status: criteria provided, single submitter. Criteria: Invitae Variant Classification Sherloc (09022015). Collection method: clinical testing. Allele origin: germline.
Comment: This sequence change falls in intron 6 of the CARS2 gene. It does not directly change the encoded amino acid sequence of the CARS2 protein. This variant is not present in population databases (ExAC no frequency). This variant has not been reported in the literature in individuals affected with CARS2-related conditions. Algorithms developed to predict the effect of sequence changes on RNA splicing suggest that this variant may create or strengthen a splice site. In summary, the available evidence is currently insufficient to determine the role of this variant in disease. Therefore, it has been classified as a Variant of Uncertain Significance.

NM_024537.4(CARS2):c.656-16C>A

Gene: CARS2 (cysteinyl-tRNA synthetase 2, mitochondrial; minus strand). Cytogenetic location: 13q34.
Variant type: single nucleotide variant.
Coding change: c.656-16C>A on transcript NM_024537.4 (MANE Select); 16 bases into the intron before coding-DNA position 656, C replaced by A.
Molecular consequence: intron variant.
Genome position (GRCh38, 1-based): chr13:110,677,119, G>T on the plus strand (C>A on the coding strand, the complement: CARS2 is on the minus strand). VCF-style: chr13-110677119-G-T. GRCh37 (hg19) VCF-style: chr13-111329466-G-T.
Other names: c.-131-16C>A (NM_001352252.2); c.656-16C>A (NM_001352253.3).
Identifiers: ClinVar variation 1407257 (VCV001407257.5), dbSNP rs755708345, ClinGen allele CA2573149463.